The following is an entry in ClinVar:

NM_020872.3(CNTN3):c.1764T>A (p.Ser588=)

Gene: CNTN3 (contactin 3; minus strand). Cytogenetic location: 3p12.3.
Variant type: single nucleotide variant.
Coding change: c.1764T>A on transcript NM_020872.3 (MANE Select); coding-DNA position 1764, T replaced by A.
Protein change: p.Ser588=; no amino-acid change (serine 588 retained).
Molecular consequence: synonymous variant.
Genome position (GRCh38, 1-based): chr3:74,302,712, A>T on the plus strand (T>A on the coding strand, the complement: CNTN3 is on the minus strand). VCF-style: chr3-74302712-A-T. GRCh37 (hg19) VCF-style: chr3-74351863-A-T.
Other names: c.1764T>A, p.Ser588= (NM_001393376.1).
Identifiers: ClinVar variation 773181 (VCV000773181.7), dbSNP rs75253024, ClinGen allele CA2495149.
Genomic context (GRCh38, chr3:74,302,712, plus strand): 5'-TGTGAAGTGACAAACTCAAGGGGGCATAAATGTTTTACCTCTTACTATGAGGTCAGCAGC[A>T]GATGAAACACTGTCCACCCCCGTTTGCACCATACAAACATATTTCCCACTGTGTTTCAGC-3'
Protein context (NP_065923.1, residues 578-598): MVQTGVDSVS[Ser588=]AADLIVRGSP

ClinVar aggregate classification (germline): Benign. Review status: criteria provided, multiple submitters, no conflicts (2 of 4 stars). 3 submissions from 3 submitters: Benign (2). 1 of the submissions does not count toward it. Last evaluated 2019-12-31.

Conditions:
CNTN3-related disorder. Also called: CNTN3-related condition.

Allele frequency attached by ClinVar (database versions not stated): gnomAD exomes 0.00491; ExAC 0.00607; 1000 Genomes Project 0.01877; 1000 Genomes Project 30x 0.01936; gnomAD 0.02033; TOPMed 0.02130; ESP Exome Variant Server 0.02145.
gnomAD v4.1: 6,007 of 1,611,608 alleles (0.37%); highest among the groups gnomAD compares: African/African-American, 6.6%; 200 homozygotes.

Submissions (3):

Labcorp Genetics (formerly Invitae), Labcorp
Classification: Benign. Last evaluated: 2019-12-31. Review status: criteria provided, single submitter. Criteria: Invitae Variant Classification Sherloc (09022015). Collection method: clinical testing. Allele origin: germline.

Breakthrough Genomics
Classification: Benign. Review status: criteria provided, single submitter. Criteria: ACMG Guidelines, 2015. Collection method: not provided. Allele origin: germline. Inheritance: Unknown mechanism. Affected: yes.

PreventionGenetics, part of Exact Sciences
Classification: Benign for CNTN3-related condition. Last evaluated: 2019-06-11. Review status: no assertion criteria provided. Collection method: clinical testing. Allele origin: germline. Not counted in ClinVar's aggregate classification.
Comment: This variant is classified as benign based on ACMG/AMP sequence variant interpretation guidelines (Richards et al. 2015 PMID: 25741868, with internal and published modifications).